The following is an entry in ClinVar:

NM_080632.3(UPF3B):c.1081C>T (p.Arg361Ter)

Gene: UPF3B (UPF3B regulator of nonsense mediated mRNA decay; minus strand). Cytogenetic location: Xq24.
Variant type: single nucleotide variant.
Coding change: c.1081C>T on transcript NM_080632.3 (MANE Select); coding-DNA position 1081, C replaced by T.
Protein change: p.Arg361Ter; replaces arginine 361 with a stop codon.
Molecular consequence: nonsense.
Genome position (GRCh38, 1-based): chrX:119,837,978, G>A on the plus strand (C>T on the coding strand, the complement: UPF3B is on the minus strand). VCF-style: chrX-119837978-G-A. GRCh37 (hg19) VCF-style: chrX-118971941-G-A.
Other names: c.1042C>T, p.Arg348Ter (NM_023010.4); short protein forms R348*, R361*.
Identifiers: ClinVar variation 5019810 (VCV005019810.2).
Genomic context (GRCh38, chrX:119,837,978, plus strand): 5'-CATAGCGCTCCTTCTGCCTACGGCGCTCTTCTTCTTGCCGCTTCAGCCTCTCTCTTTCTC[G>A]AAGTATGCGCTCCTGATCTCGTTCATATTCCCGTTCCCTCTCCCTATAGTCTCTGCCGCT-3'

ClinVar aggregate classification (germline): Pathogenic (1 of 4 stars; one submission).

Conditions:
Intellectual developmental disorder, X-linked, syndromic 14. Also called: Syndromic X-linked intellectual disability 14. Identifiers: Orphanet 776, MedGen C1970822, MONDO:0010398, OMIM 300676.

gnomAD v4.1: 1 of 1,210,058 alleles (0.000083%); highest among the groups gnomAD compares: Non-Finnish European, 0.00011%; no homozygotes.

Submission:

Juno Genomics, Hangzhou Juno Genomics, Inc
Classification: Pathogenic for Intellectual developmental disorder, X-linked, syndromic 14. Review status: criteria provided, single submitter. Criteria: ACMG Guidelines, 2015. Collection method: clinical testing. Allele origin: germline.
Comment: Absent from controls (or at extremely low frequency if recessive) in Genome Aggregation Database.;Null variant in a gene where loss of function (LOF) is a known mechanism of disease.;Co-segregation with disease in multiple affected family members.